The following is an entry in ClinVar:

NM_014795.4(ZEB2):c.982C>T (p.His328Tyr)

Gene: ZEB2 (zinc finger E-box binding homeobox 2; minus strand). Cytogenetic location: 2q22.3.
Variant type: single nucleotide variant.
Coding change: c.982C>T on transcript NM_014795.4 (MANE Select); coding-DNA position 982, C replaced by T.
Protein change: p.His328Tyr; replaces histidine 328 with tyrosine.
Molecular consequence: missense variant.
Genome position (GRCh38, 1-based): chr2:144,400,205, G>A on the plus strand (C>T on the coding strand, the complement: ZEB2 is on the minus strand). VCF-style: chr2-144400205-G-A. GRCh37 (hg19) VCF-style: chr2-145157772-G-A.
Other names: c.910C>T, p.His304Tyr (NM_001171653.2); short protein forms H304Y, H328Y.
Identifiers: ClinVar variation 1098342 (VCV001098342.2), dbSNP rs2149877525, ClinGen allele CA348713281.

ClinVar aggregate classification (germline): Likely pathogenic (1 of 4 stars; one submission).

Submission:

Genetics Laboratory, UDIAT-Centre Diagnòstic, Hospital Universitari Parc Tauli
Classification: Likely pathogenic. Last evaluated: 2021-04-26. Review status: criteria provided, single submitter. Criteria: Parc Tauli Hospital Assertion Criteria 2021. Collection method: clinical testing. Allele origin: de novo. Inheritance: Autosomal dominant inheritance. Affected: yes. Observed: 1 heterozygote.
Comment: PM1_moderate;PM2_supporting;PM6_moderate;PP2_supporting;PP3_supporting